The following is an entry in ClinVar:

ClinVar aggregate classification (germline): Uncertain significance (1 of 4 stars; one submission).

Conditions:
Myopathy with tubular aggregates (TAM). Also called: Tubular Aggregate Myopathy. Identifiers: Orphanet 2593, MedGen C0410207, MONDO:0008051.
Combined immunodeficiency due to STIM1 deficiency. Also called: STIM1 DEFICIENCY; IMMUNODEFICIENCY 10. Identifiers: Orphanet 169090, Orphanet 317430, MedGen C2748557, MONDO:0013008, OMIM 612783.
Stormorken syndrome (STRMK). Also called: THROMBOCYTOPATHY, ASPLENIA, AND MIOSIS. Identifiers: Orphanet 3204, MedGen C1861451, MONDO:0008497, OMIM 185070.

Submission:

Labcorp Genetics (formerly Invitae), Labcorp
Classification: Uncertain significance for Myopathy with tubular aggregates; Combined immunodeficiency due to STIM1 deficiency; Stormorken syndrome. Last evaluated: 2024-11-18. Review status: criteria provided, single submitter. Criteria: Invitae Variant Classification Sherloc (09022015). Collection method: clinical testing. Allele origin: germline.
Comment: This sequence change replaces serine, which is neutral and polar, with threonine, which is neutral and polar, at codon 40 of the STIM1 protein (p.Ser40Thr). This variant is not present in population databases (gnomAD no frequency). This variant has not been reported in the literature in individuals affected with STIM1-related conditions. Invitae Evidence Modeling of protein sequence and biophysical properties (such as structural, functional, and spatial information, amino acid conservation, physicochemical variation, residue mobility, and thermodynamic stability) indicates that this missense variant is not expected to disrupt STIM1 protein function with a negative predictive value of 95%. In summary, the available evidence is currently insufficient to determine the role of this variant in disease. Therefore, it has been classified as a Variant of Uncertain Significance.

NM_001382567.1(STIM1):c.118T>A (p.Ser40Thr)

Gene: STIM1 (stromal interaction molecule 1; plus strand). Cytogenetic location: 11p15.4.
Variant type: single nucleotide variant.
Coding change: c.118T>A on transcript NM_001382567.1 (MANE Select); coding-DNA position 118, T replaced by A.
Protein change: p.Ser40Thr; replaces serine 40 with threonine.
Molecular consequence: missense variant. On other transcripts: synonymous variant (1), 5 prime UTR variant (1), non-coding transcript variant (3), intron variant (10).
Genome position (GRCh38, 1-based): chr11:3,856,388, T>A. VCF-style: chr11-3856388-T-A. GRCh37 (hg19) VCF-style: chr11-3877618-T-A.
Other names: c.118T>A, p.Ser40Thr (NM_001277961.3, NM_001277962.2, NM_001382568.1 and 3 more transcripts); c.114T>A, p.Thr38= (NM_001382569.1); c.-120T>A (NM_001382571.1); c.-84+1652T>A (NM_001382578.1, NM_001382575.1, NM_001382574.1); c.-220+1652T>A (NM_001382580.1, NM_001382581.1); c.-84+1734T>A (NM_001382576.1); c.-84+972T>A (NM_001382566.1, NM_001382579.1, NM_001382577.1 and 1 more transcripts); short protein forms S40T.
Identifiers: ClinVar variation 3750442 (VCV003750442.2).